The following is an entry in ClinVar:

NM_014339.7(IL17RA):c.1333G>A (p.Val445Ile)

Gene: IL17RA (interleukin 17 receptor A; plus strand). Cytogenetic location: 22q11.1.
Variant type: single nucleotide variant.
Coding change: c.1333G>A on transcript NM_014339.7 (MANE Select); coding-DNA position 1333, G replaced by A.
Protein change: p.Val445Ile; replaces valine 445 with isoleucine.
Molecular consequence: missense variant.
Genome position (GRCh38, 1-based): chr22:17,108,552, G>A. VCF-style: chr22-17108552-G-A. GRCh37 (hg19) VCF-style: chr22-17589442-G-A.
Other names: c.1231G>A, p.Val411Ile (NM_001289905.2); short protein forms V411I, V445I.
Identifiers: ClinVar variation 2824824 (VCV002824824.3), dbSNP rs1263299514, ClinGen allele CA410216560.
Genomic context (GRCh38, chr22:17,108,552, plus strand): 5'-GTCATGACCTGGGTGGGCCGTCAGAAGCAGGAGATGGTGGAGAGCAACTCTAAGATCATC[G>A]TCCTGTGCTCCCGCGGCACGCGCGCCAAGTGGCAGGCGCTCCTGGGCCGGGGGGCGCCTG-3'
Protein context (NP_055154.3, residues 435-455): EMVESNSKII[Val445Ile]LCSRGTRAKW

ClinVar aggregate classification (germline): Uncertain significance (1 of 4 stars; one submission).

Conditions:
Immunodeficiency 51 (IMD51). Also called: CANDIDIASIS, FAMILIAL, 5. Identifiers: Orphanet 1334, MedGen C4310803, MONDO:0013500, OMIM 613953.

Allele frequency attached by ClinVar (database versions not stated): gnomAD exomes 0.00001.

Submission:

Labcorp Genetics (formerly Invitae), Labcorp
Classification: Uncertain significance for Immunodeficiency 51. Last evaluated: 2023-03-12. Review status: criteria provided, single submitter. Criteria: Invitae Variant Classification Sherloc (09022015). Collection method: clinical testing. Allele origin: germline.
Comment: In summary, the available evidence is currently insufficient to determine the role of this variant in disease. Therefore, it has been classified as a Variant of Uncertain Significance. Advanced modeling of protein sequence and biophysical properties (such as structural, functional, and spatial information, amino acid conservation, physicochemical variation, residue mobility, and thermodynamic stability) performed at Invitae indicates that this missense variant is not expected to disrupt IL17RA protein function. This variant has not been reported in the literature in individuals affected with IL17RA-related conditions. The frequency data for this variant in the population databases is considered unreliable, as metrics indicate poor data quality at this position in the gnomAD database. This sequence change replaces valine, which is neutral and non-polar, with isoleucine, which is neutral and non-polar, at codon 445 of the IL17RA protein (p.Val445Ile).